The following is an entry in ClinVar:

ClinVar aggregate classification (germline): Benign (0 of 4 stars; one submission).

Conditions:
MYOM2-related disorder. Also called: MYOM2-related condition.

Allele frequency attached by ClinVar (database versions not stated): gnomAD exomes 0.00065; ExAC 0.00234; gnomAD 0.00669; TOPMed 0.00748; 1000 Genomes Project 0.00839; ESP Exome Variant Server 0.00938; 1000 Genomes Project 30x 0.00984.
gnomAD v4.1: 2,008 of 1,613,096 alleles (0.12%); highest among the groups gnomAD compares: African/African-American, 2.4%; 27 homozygotes.

Submission:

PreventionGenetics, part of Exact Sciences
Classification: Benign for MYOM2-related condition. Last evaluated: 2019-07-16. Review status: no assertion criteria provided. Collection method: clinical testing. Allele origin: germline.
Comment: This variant is classified as benign based on ACMG/AMP sequence variant interpretation guidelines (Richards et al. 2015 PMID: 25741868, with internal and published modifications).

NM_003970.4(MYOM2):c.3471A>G (p.Lys1157=)

Gene: MYOM2 (myomesin 2; plus strand). Cytogenetic location: 8p23.3.
Variant type: single nucleotide variant.
Coding change: c.3471A>G on transcript NM_003970.4 (MANE Select); coding-DNA position 3471, A replaced by G.
Protein change: p.Lys1157=; no amino-acid change (lysine 1157 retained).
Molecular consequence: synonymous variant.
Genome position (GRCh38, 1-based): chr8:2,123,269, A>G. VCF-style: chr8-2123269-A-G. GRCh37 (hg19) VCF-style: chr8-2071142-A-G.
Identifiers: ClinVar variation 3056396 (VCV003056396.2), dbSNP rs61732780, ClinGen allele CA170462585.